The following is an entry in ClinVar:

NM_007215.4(POLG2):c.119A>G (p.Lys40Arg)

Genes: MILR1 (mast cell immunoglobulin like receptor 1; plus strand), POLG2 (DNA polymerase gamma 2, accessory subunit; minus strand). Cytogenetic location: 17q23.3.
Variant type: single nucleotide variant.
Coding change: c.119A>G on transcript NM_007215.4 (MANE Select); coding-DNA position 119, A replaced by G.
Protein change: p.Lys40Arg; replaces lysine 40 with arginine.
Molecular consequence: missense variant.
Genome position (GRCh38, 1-based): chr17:64,496,850, T>C on the plus strand (A>G on the coding strand, the complement: POLG2 is on the minus strand). VCF-style: chr17-64496850-T-C. GRCh37 (hg19) VCF-style: chr17-62492968-T-C.
Other names: short protein forms K40R.
Identifiers: ClinVar variation 1938889 (VCV001938889.5), dbSNP rs781866535, ClinGen allele CA8713088.
Genomic context (GRCh38, chr17:64,496,850, plus strand): 5'-GGGGCTTCTGGGTGCTCGCCGTTCCCCTCGAGCTCCGCGTGCGACTTCACATGCCCTCCT[T>C]TGGGGCTACTCCTTTCCGTCAACAGCTCCGGCTGCCCCGCATCTACTCGACCCCCAAACC-3'
Protein context (NP_009146.2, residues 30-50): PELLTERSSP[Lys40Arg]GGHVKSHAEL

ClinVar aggregate classification (germline): Uncertain significance (1 of 4 stars; one submission).

Allele frequency attached by ClinVar (database versions not stated): ExAC 0.00001; TOPMed 0.00001.

Submission:

Labcorp Genetics (formerly Invitae), Labcorp
Classification: Uncertain significance. Last evaluated: 2022-10-08. Review status: criteria provided, single submitter. Criteria: Invitae Variant Classification Sherloc (09022015). Collection method: clinical testing. Allele origin: germline.
Comment: In summary, the available evidence is currently insufficient to determine the role of this variant in disease. Therefore, it has been classified as a Variant of Uncertain Significance. Algorithms developed to predict the effect of missense changes on protein structure and function (SIFT, PolyPhen-2, Align-GVGD) all suggest that this variant is likely to be tolerated. This variant has not been reported in the literature in individuals affected with POLG2-related conditions. This variant is present in population databases (rs781866535, gnomAD 0.0009%). This sequence change replaces lysine, which is basic and polar, with arginine, which is basic and polar, at codon 40 of the POLG2 protein (p.Lys40Arg).